The following is an entry in ClinVar:

ClinVar aggregate classification (germline): Pathogenic (1 of 4 stars; one submission).

Submission:

Labcorp Genetics (formerly Invitae), Labcorp
Classification: Pathogenic. Last evaluated: 2023-05-05. Review status: criteria provided, single submitter. Criteria: Invitae Variant Classification Sherloc (09022015). Collection method: clinical testing. Allele origin: unknown.
Comment: For these reasons, this variant has been classified as Pathogenic. This variant has not been reported in the literature in individuals affected with CEP152-related conditions. This variant is a gross deletion of the genomic region encompassing exon(s) 2-25 of the CEP152 gene, which includes the initiator codon. This deletion extends beyond the assayed region for this gene and therefore may encompass additional genes. It is expected to result in an absent or disrupted protein product. Loss-of-function variants in CEP152 are known to be pathogenic (PMID: 21131973).

Literature cited by the submitters: PubMed 21131973.

NC_000015.9:g.(?_49033778)_(49097846_?)del

Gene: CEP152 (centrosomal protein 152; minus strand). Cytogenetic location: 15q21.1.
Variant type: Deletion.
Identifiers: ClinVar variation 3243889 (VCV003243889.1).